The following is an entry in ClinVar:

ClinVar aggregate classification (germline): Uncertain significance. Review status: criteria provided, multiple submitters, no conflicts (2 of 4 stars). 2 submissions from 2 submitters: Uncertain significance (2). Last evaluated 2025-02-06.

Conditions:
Loeys-Dietz syndrome 2 (LDS2). Also called: Marfan syndrome, type 2 (formerly); AORTIC ANEURYSM, FAMILIAL THORACIC 3; MARFAN SYNDROME, TYPE II; TGFBR2-Related Loeys-Dietz Syndrome; Marfan Syndrome type 2; Marfan like connective tissue disorder. Identifiers: Orphanet 284973, Orphanet 558, MedGen C2674574, MONDO:0012427, OMIM 610168.

gnomAD v4.1: 13 of 1,613,742 alleles (0.00081%); highest among the groups gnomAD compares: Non-Finnish European, 0.0011%; 1 homozygote.

Submissions (2):

Ambry Genetics
Classification: Uncertain significance. Last evaluated: 2025-02-06. Review status: criteria provided, single submitter. Criteria: Ambry Variant Classification Scheme 2023. Collection method: clinical testing. Allele origin: germline.
Comment: The p.I134F variant (also known as c.400A>T), located in coding exon 2 of the TMPO gene, results from an A to T substitution at nucleotide position 400. The isoleucine at codon 134 is replaced by phenylalanine, an amino acid with highly similar properties. This amino acid position is conserved. In addition, this alteration is predicted to be deleterious by in silico analysis. Based on the available evidence, the clinical significance of this variant remains unclear.

Labcorp Genetics (formerly Invitae), Labcorp
Classification: Uncertain significance for Loeys-Dietz syndrome 2. Last evaluated: 2024-02-25. Review status: criteria provided, single submitter. Criteria: Invitae Variant Classification Sherloc (09022015). Collection method: clinical testing. Allele origin: germline.
Comment: This sequence change replaces isoleucine, which is neutral and non-polar, with phenylalanine, which is neutral and non-polar, at codon 134 of the TMPO protein (p.Ile134Phe). This variant is present in population databases (no rsID available, gnomAD 0.0009%). This variant has not been reported in the literature in individuals affected with TMPO-related conditions. ClinVar contains an entry for this variant (Variation ID: 1436113). An algorithm developed to predict the effect of missense changes on protein structure and function (PolyPhen-2) suggests that this variant is likely to be disruptive. In summary, the available evidence is currently insufficient to determine the role of this variant in disease. Therefore, it has been classified as a Variant of Uncertain Significance.

NM_001032283.3(TMPO):c.400A>T (p.Ile134Phe)

Gene: TMPO (thymopoietin; plus strand). Cytogenetic location: 12q23.1.
Variant type: single nucleotide variant.
Coding change: c.400A>T on transcript NM_001032283.3 (MANE Select); coding-DNA position 400, A replaced by T.
Protein change: p.Ile134Phe; replaces isoleucine 134 with phenylalanine.
Molecular consequence: missense variant.
Genome position (GRCh38, 1-based): chr12:98,528,006, A>T. VCF-style: chr12-98528006-A-T. GRCh37 (hg19) VCF-style: chr12-98921784-A-T.
Other names: c.400A>T, p.Ile134Phe (NM_001032284.3, NM_001307975.2, NM_003276.2); short protein forms I134F.
Identifiers: ClinVar variation 1436113 (VCV001436113.9), dbSNP rs745442874, ClinGen allele CA386150952.